The following is an entry in ClinVar:

NM_000350.3(ABCA4):c.948G>A (p.Met316Ile)

Gene: ABCA4 (ATP binding cassette subfamily A member 4; minus strand). Cytogenetic location: 1p22.1.
Variant type: single nucleotide variant.
Coding change: c.948G>A on transcript NM_000350.3 (MANE Select); coding-DNA position 948, G replaced by A.
Protein change: p.Met316Ile; replaces methionine 316 with isoleucine.
Molecular consequence: missense variant.
Genome position (GRCh38, 1-based): chr1:94,080,629, C>T on the plus strand (G>A on the coding strand, the complement: ABCA4 is on the minus strand). VCF-style: chr1-94080629-C-T. GRCh37 (hg19) VCF-style: chr1-94546185-C-T.
Other names: c.948G>A, p.Met316Ile (NM_001425324.1); short protein forms M316I.
Identifiers: ClinVar variation 1969101 (VCV001969101.5), dbSNP rs775277234, ClinGen allele CA958674.

ClinVar aggregate classification (germline): Uncertain significance (1 of 4 stars; one submission).

Allele frequency attached by ClinVar (database versions not stated): TOPMed 0.00001; gnomAD exomes below 0.00001; ExAC 0.00001; gnomAD 0.00002.

Submission:

Labcorp Genetics (formerly Invitae), Labcorp
Classification: Uncertain significance. Last evaluated: 2025-10-05. Review status: criteria provided, single submitter. Criteria: Invitae Variant Classification Sherloc (09022015). Collection method: clinical testing. Allele origin: germline.
Comment: This sequence change replaces methionine, which is neutral and non-polar, with isoleucine, which is neutral and non-polar, at codon 316 of the ABCA4 protein (p.Met316Ile). This variant is present in population databases (rs775277234, gnomAD 0.004%). This missense change has been observed in individual(s) with retinitis pigmentosa (Internal data). ClinVar contains an entry for this variant (Variation ID: 1969101). Invitae Evidence Modeling of protein sequence and biophysical properties (such as structural, functional, and spatial information, amino acid conservation, physicochemical variation, residue mobility, and thermodynamic stability) indicates that this missense variant is not expected to disrupt ABCA4 protein function with a negative predictive value of 80%. In summary, the available evidence is currently insufficient to determine the role of this variant in disease. Therefore, it has been classified as a Variant of Uncertain Significance.